The following is an entry in ClinVar:

ClinVar aggregate classification (germline): Uncertain significance (1 of 4 stars; one submission).

Conditions:
Familial temporal lobe epilepsy 7. Identifiers: Orphanet 101046, MedGen C4225327, MONDO:0014639, OMIM 616436.
Norman-Roberts syndrome (LIS2). Also called: Lissencephaly 2 (Norman-Roberts type). Identifiers: Orphanet 89844, MedGen C0796089, MONDO:0009760, OMIM 257320.

Submission:

Labcorp Genetics (formerly Invitae), Labcorp
Classification: Uncertain significance for Familial temporal lobe epilepsy 7; Norman-Roberts syndrome. Last evaluated: 2024-05-21. Review status: criteria provided, single submitter. Criteria: Invitae Variant Classification Sherloc (09022015). Collection method: clinical testing. Allele origin: germline.
Comment: This sequence change replaces proline, which is neutral and non-polar, with serine, which is neutral and polar, at codon 788 of the RELN protein (p.Pro788Ser). This variant is not present in population databases (gnomAD no frequency). This variant has not been reported in the literature in individuals affected with RELN-related conditions. Advanced modeling of protein sequence and biophysical properties (such as structural, functional, and spatial information, amino acid conservation, physicochemical variation, residue mobility, and thermodynamic stability) has been performed at Invitae for this missense variant, however the output from this modeling did not meet the statistical confidence thresholds required to predict the impact of this variant on RELN protein function. In summary, the available evidence is currently insufficient to determine the role of this variant in disease. Therefore, it has been classified as a Variant of Uncertain Significance.

NM_005045.4(RELN):c.2362C>T (p.Pro788Ser)

Gene: RELN (reelin; minus strand). Cytogenetic location: 7q22.1.
Variant type: single nucleotide variant.
Coding change: c.2362C>T on transcript NM_005045.4 (MANE Select); coding-DNA position 2362, C replaced by T.
Protein change: p.Pro788Ser; replaces proline 788 with serine.
Molecular consequence: missense variant.
Genome position (GRCh38, 1-based): chr7:103,635,528, G>A on the plus strand (C>T on the coding strand, the complement: RELN is on the minus strand). VCF-style: chr7-103635528-G-A. GRCh37 (hg19) VCF-style: chr7-103275975-G-A.
Other names: c.2362C>T, p.Pro788Ser (NM_173054.3); short protein forms P788S.
Identifiers: ClinVar variation 3756459 (VCV003756459.2).